The following is an entry in ClinVar:

NM_003611.3(OFD1):c.2665G>A (p.Glu889Lys)

Gene: OFD1 (OFD1 centriole and centriolar satellite protein; plus strand). Cytogenetic location: Xp22.2.
Variant type: single nucleotide variant.
Coding change: c.2665G>A on transcript NM_003611.3 (MANE Select); coding-DNA position 2665, G replaced by A.
Protein change: p.Glu889Lys; replaces glutamic acid 889 with lysine.
Molecular consequence: missense variant.
Genome position (GRCh38, 1-based): chrX:13,767,192, G>A. VCF-style: chrX-13767192-G-A. GRCh37 (hg19) VCF-style: chrX-13785311-G-A.
Other names: c.2545G>A, p.Glu849Lys (NM_001330209.2); c.2245G>A, p.Glu749Lys (NM_001330210.2); short protein forms E749K, E849K, E889K.
Identifiers: ClinVar variation 3757881 (VCV003757881.2).

ClinVar aggregate classification (germline): Uncertain significance (1 of 4 stars; one submission).

Conditions:
Joubert syndrome. Also called: CEREBELLOPARENCHYMAL DISORDER IV; JOUBERT-BOLTSHAUSER SYNDROME; Familial aplasia of the vermis. Identifiers: Orphanet 475, MedGen C5979921, MONDO:0018772.
Orofaciodigital syndrome I (OFD1). Also called: OFDS I; Papillon-Leage and Psaume Syndrome; Oral-Facial-Digital Syndrome Type I. Identifiers: Orphanet 2750, MedGen C1510460, MONDO:0010702, OMIM 311200.

Submission:

Labcorp Genetics (formerly Invitae), Labcorp
Classification: Uncertain significance for Orofaciodigital syndrome I; Joubert syndrome. Last evaluated: 2024-08-29. Review status: criteria provided, single submitter. Criteria: Invitae Variant Classification Sherloc (09022015). Collection method: clinical testing. Allele origin: germline.
Comment: This sequence change replaces glutamic acid, which is acidic and polar, with lysine, which is basic and polar, at codon 889 of the OFD1 protein (p.Glu889Lys). This variant is present in population databases (no rsID available, gnomAD 0.009%). This variant has not been reported in the literature in individuals affected with OFD1-related conditions. Invitae Evidence Modeling of protein sequence and biophysical properties (such as structural, functional, and spatial information, amino acid conservation, physicochemical variation, residue mobility, and thermodynamic stability) indicates that this missense variant is not expected to disrupt OFD1 protein function with a negative predictive value of 80%. In summary, the available evidence is currently insufficient to determine the role of this variant in disease. Therefore, it has been classified as a Variant of Uncertain Significance.